The following is an entry in ClinVar:

ClinVar aggregate classification (germline): Uncertain significance. Review status: criteria provided, multiple submitters, no conflicts (2 of 4 stars). 3 submissions from 3 submitters: Uncertain significance (3). Last evaluated 2025-09-04.

Conditions:
Hereditary cancer-predisposing syndrome. Also called: Tumor predisposition; Hereditary Cancer Syndrome; Neoplastic Syndromes, Hereditary; Hereditary neoplastic syndrome. Identifiers: Orphanet 140162, MedGen C0027672, MeSH D009386, MONDO:0015356.
Bloom syndrome (BLM). Also called: Bloom-Torre-Machacek syndrome. Identifiers: Orphanet 125, MedGen C0005859, MONDO:0008876, OMIM 210900.

Allele frequency attached by ClinVar (database versions not stated): gnomAD exomes below 0.00001.
gnomAD v4.1: 1 of 1,605,184 alleles (0.000062%); highest among the groups gnomAD compares: Non-Finnish European, 0.000085%; no homozygotes.

Submissions (3):

Ambry Genetics
Classification: Uncertain significance for Hereditary cancer-predisposing syndrome. Last evaluated: 2025-09-04. Review status: criteria provided, single submitter. Criteria: Ambry Variant Classification Scheme 2023. Collection method: clinical testing. Allele origin: germline.
Comment: The p.T1074R variant (also known as c.3221C>G), located in coding exon 16 of the BLM gene, results from a C to G substitution at nucleotide position 3221. The threonine at codon 1074 is replaced by arginine, an amino acid with similar properties. This amino acid position is not well conserved in available vertebrate species. In addition, this alteration is predicted to be tolerated by in silico analysis. Since supporting evidence is limited at this time, the clinical significance of this alteration remains unclear.

Labcorp Genetics (formerly Invitae), Labcorp
Classification: Uncertain significance for Bloom syndrome. Last evaluated: 2024-08-08. Review status: criteria provided, single submitter. Criteria: Invitae Variant Classification Sherloc (09022015). Collection method: clinical testing. Allele origin: germline.
Comment: This sequence change replaces threonine, which is neutral and polar, with arginine, which is basic and polar, at codon 1074 of the BLM protein (p.Thr1074Arg). This variant is not present in population databases (gnomAD no frequency). This variant has not been reported in the literature in individuals affected with BLM-related conditions. ClinVar contains an entry for this variant (Variation ID: 823233). Advanced modeling of protein sequence and biophysical properties (such as structural, functional, and spatial information, amino acid conservation, physicochemical variation, residue mobility, and thermodynamic stability) performed at Invitae indicates that this missense variant is not expected to disrupt BLM protein function with a negative predictive value of 80%. In summary, the available evidence is currently insufficient to determine the role of this variant in disease. Therefore, it has been classified as a Variant of Uncertain Significance.

Quest Diagnostics Nichols Institute San Juan Capistrano
Classification: Uncertain significance. Last evaluated: 2022-12-29. Review status: criteria provided, single submitter. Criteria: Quest Diagnostics criteria. Collection method: clinical testing. Allele origin: unknown.
Comment: The variant has not been reported in the published literature. It also has not been reported in large, multi-ethnic general populations. Analysis of this variant using bioinformatics tools for the prediction of the effect of amino acid changes on protein structure and function yielded predictions that this variant is benign. Based on the available information, we are unable to determine the clinical significance of this variant.

NM_000057.4(BLM):c.3221C>G (p.Thr1074Arg)

Gene: BLM (BLM RecQ like helicase; plus strand). Cytogenetic location: 15q26.1.
Variant type: single nucleotide variant.
Coding change: c.3221C>G on transcript NM_000057.4 (MANE Select); coding-DNA position 3221, C replaced by G.
Protein change: p.Thr1074Arg; replaces threonine 1074 with arginine.
Molecular consequence: missense variant.
Genome position (GRCh38, 1-based): chr15:90,798,200, C>G. VCF-style: chr15-90798200-C-G. GRCh37 (hg19) VCF-style: chr15-91341430-C-G.
Other names: c.3221C>G, p.Thr1074Arg (NM_001287246.2, NM_001287247.2); c.2096C>G, p.Thr699Arg (NM_001287248.2); short protein forms T699R, T1074R.
Identifiers: ClinVar variation 823233 (VCV000823233.17), dbSNP rs144021705, ClinGen allele CA393847126.